The following is an entry in ClinVar:

NM_203447.4(DOCK8):c.520G>C (p.Ala174Pro)

Gene: DOCK8 (dedicator of cytokinesis 8; plus strand). Cytogenetic location: 9p24.3.
Variant type: single nucleotide variant.
Coding change: c.520G>C on transcript NM_203447.4 (MANE Select); coding-DNA position 520, G replaced by C.
Protein change: p.Ala174Pro; replaces alanine 174 with proline.
Molecular consequence: missense variant.
Genome position (GRCh38, 1-based): chr9:304,696, G>C. VCF-style: chr9-304696-G-C. GRCh37 (hg19) VCF-style: chr9-304696-G-C.
Other names: c.316G>C, p.Ala106Pro (NM_001190458.2, NM_001193536.2); short protein forms A106P, A174P.
Identifiers: ClinVar variation 3719060 (VCV003719060.3).

ClinVar aggregate classification (germline): Uncertain significance. Review status: criteria provided, multiple submitters, no conflicts (2 of 4 stars). 2 submissions from 2 submitters: Uncertain significance (2). Last evaluated 2024-09-09.

Conditions:
Combined immunodeficiency due to DOCK8 deficiency (HIES2). Also called: HYPER-IgE SYNDROME 2, AUTOSOMAL RECESSIVE, WITH RECURRENT INFECTIONS; DOCK8 Deficiency; HIES autosomal recessive; Hyper-IgE recurrent infection syndrome, autosomal recessive; HYPER-IgE RECURRENT INFECTION SYNDROME 2, AUTOSOMAL RECESSIVE. Identifiers: Orphanet 217390, MedGen C4722305, MONDO:0009478, OMIM 243700.

gnomAD v4.1: 5 of 1,613,986 alleles (0.00031%); highest among the groups gnomAD compares: Non-Finnish European, 0.00042%; no homozygotes.

Submissions (2):

Labcorp Genetics (formerly Invitae), Labcorp
Classification: Uncertain significance for Combined immunodeficiency due to DOCK8 deficiency. Last evaluated: 2024-09-09. Review status: criteria provided, single submitter. Criteria: Invitae Variant Classification Sherloc (09022015). Collection method: clinical testing. Allele origin: germline.
Comment: This sequence change replaces alanine, which is neutral and non-polar, with proline, which is neutral and non-polar, at codon 174 of the DOCK8 protein (p.Ala174Pro). This variant is not present in population databases (gnomAD no frequency). This variant has not been reported in the literature in individuals affected with DOCK8-related conditions. Invitae Evidence Modeling of protein sequence and biophysical properties (such as structural, functional, and spatial information, amino acid conservation, physicochemical variation, residue mobility, and thermodynamic stability) indicates that this missense variant is not expected to disrupt DOCK8 protein function with a negative predictive value of 80%. In summary, the available evidence is currently insufficient to determine the role of this variant in disease. Therefore, it has been classified as a Variant of Uncertain Significance.

Blueprint Genetics
Classification: Uncertain significance. Last evaluated: 2021-12-06. Review status: criteria provided, single submitter. Criteria: ACMG Guidelines, 2015. Collection method: clinical testing. Allele origin: germline.